The following is an entry in ClinVar:

NM_007294.4(BRCA1):c.2747A>G (p.Asn916Ser)

Gene: BRCA1 (BRCA1 DNA repair associated; minus strand). Cytogenetic location: 17q21.31.
Variant type: single nucleotide variant.
Coding change: c.2747A>G on transcript NM_007294.4 (MANE Select); coding-DNA position 2747, A replaced by G.
Protein change: p.Asn916Ser; replaces asparagine 916 with serine.
Molecular consequence: missense variant. On other transcripts: intron variant (137).
Genome position (GRCh38, 1-based): chr17:43,092,784, T>C on the plus strand (A>G on the coding strand, the complement: BRCA1 is on the minus strand). VCF-style: chr17-43092784-T-C. GRCh37 (hg19) VCF-style: chr17-41244801-T-C.
Other names: c.2621A>G, p.Asn874Ser (NM_001407671.1, NM_001407672.1, NM_001407673.1 and 11 more transcripts); c.2624A>G, p.Asn875Ser (NM_001407674.1, NM_001407675.1, NM_001407676.1 and 19 more transcripts); c.2747A>G, p.Asn916Ser (NM_001407684.1, NM_001407854.1, NM_001407858.1 and 30 more transcripts); c.2606A>G, p.Asn869Ser (NM_001407692.1, NM_001407694.1, NM_001407695.1 and 29 more transcripts); c.2603A>G, p.Asn868Ser (NM_001407740.1, NM_001407741.1, NM_001407742.1 and 20 more transcripts); c.2534A>G, p.Asn845Ser (NM_001407853.1, NM_001407894.1, NM_001407895.1 and 9 more transcripts); c.2744A>G, p.Asn915Ser (NM_001407860.1, NM_001407861.1, NM_001407587.1 and 22 more transcripts); c.2546A>G, p.Asn849Ser (NM_001407862.1); and 41 more; short protein forms N916S, N869S, N620S, N788S, N846S, N875S, N913S, N748S.
Identifiers: ClinVar variation 482965 (VCV000482965.14), dbSNP rs864622588, ClinGen allele CA10596495.
Genomic context (GRCh38, chr17:43,092,784, plus strand): 5'-TCTTTCTGACCAACCACAGGAAAGCCTGCAGTGATATTAACTGTCTGTACAGGCTTGATA[T>C]TAGACTCATTCTTTCCTTGATTTTCTTCCTTTTGTTCACATTCAAAAGTGACTTTTGGAC-3'
Protein context (NP_009225.1, residues 906-926): KEENQGKNES[Asn916Ser]IKPVQTVNIT

ClinVar aggregate classification (germline): Conflicting classifications of pathogenicity. Review status: criteria provided, conflicting classifications (1 of 4 stars). 3 submissions from 3 submitters: Uncertain significance (2); Likely benign (1). Last evaluated 2025-11-04.

Conditions:
Hereditary breast ovarian cancer syndrome. Also called: Hereditary breast and ovarian cancer syndrome; Hereditary breast and ovarian cancer; Hereditary breast and ovarian cancer syndrome (HBOC); Breast and ovarian cancer; Hereditary breast and/or ovarian cancer syndrome; BRCA1- and BRCA2-Associated Hereditary Breast and Ovarian Cancer. Identifiers: Orphanet 145, MedGen C0677776, MeSH D061325, MONDO:0003582. Disease mechanism: loss of function.
Hereditary cancer-predisposing syndrome. Also called: Neoplastic Syndromes, Hereditary; Tumor predisposition; Hereditary Cancer Syndrome; Hereditary neoplastic syndrome. Identifiers: Orphanet 140162, MedGen C0027672, MeSH D009386, MONDO:0015356.

Submissions (3):

Labcorp Genetics (formerly Invitae), Labcorp
Classification: Uncertain significance for Hereditary breast ovarian cancer syndrome. Last evaluated: 2025-11-04. Review status: criteria provided, single submitter. Criteria: Invitae Variant Classification Sherloc (09022015). Collection method: clinical testing. Allele origin: germline.
Comment: This sequence change replaces asparagine, which is neutral and polar, with serine, which is neutral and polar, at codon 916 of the BRCA1 protein (p.Asn916Ser). This variant is not present in population databases (gnomAD no frequency). This variant has not been reported in the literature in individuals affected with BRCA1-related conditions. ClinVar contains an entry for this variant (Variation ID: 482965). Invitae Evidence Modeling of protein sequence and biophysical properties (such as structural, functional, and spatial information, amino acid conservation, physicochemical variation, residue mobility, and thermodynamic stability) indicates that this missense variant is not expected to disrupt BRCA1 protein function with a negative predictive value of 80%. In summary, the available evidence is currently insufficient to determine the role of this variant in disease. Therefore, it has been classified as a Variant of Uncertain Significance.

Ambry Genetics
Classification: Uncertain significance for Hereditary cancer-predisposing syndrome. Last evaluated: 2023-06-07. Review status: criteria provided, single submitter. Criteria: Ambry Variant Classification Scheme 2023. Collection method: clinical testing. Allele origin: germline.
Comment: The p.N916S variant (also known as c.2747A>G), located in coding exon 9 of the BRCA1 gene, results from an A to G substitution at nucleotide position 2747. The asparagine at codon 916 is replaced by serine, an amino acid with highly similar properties. This amino acid position is poorly conserved in available vertebrate species. In addition, this alteration is predicted to be tolerated by in silico analysis. Since supporting evidence is limited at this time, the clinical significance of this alteration remains unclear.

University of Washington Department of Laboratory Medicine, University of Washington
Classification: Likely benign for Hereditary cancer-predisposing syndrome. Last evaluated: 2023-03-23. Review status: criteria provided, single submitter. Criteria: Dines et al. (Genet Med. 2020). Collection method: curation. Allele origin: germline.
Comment: Missense variant in a coldspot region where missense variants are very unlikely to be pathogenic (PMID:31911673).

BRCA1 coldspot (exon 11 using historical exon numbering). Reclassification based on statistical prior probability